The following is an entry in ClinVar:

ClinVar aggregate classification (germline): Uncertain significance. Review status: criteria provided, multiple submitters, no conflicts (2 of 4 stars). 2 submissions from 2 submitters: Uncertain significance (2). Last evaluated 2026-03-30.

Conditions:
PKD1-related disorder. Also called: PKD1-related condition.
Inborn genetic diseases. Identifiers: MedGen C0950123, MeSH D030342.

Allele frequency attached by ClinVar (database versions not stated): ExAC 0.00004.
gnomAD v4.1: 28 of 1,608,650 alleles (0.0017%); highest among the groups gnomAD compares: South Asian, 0.027%; no homozygotes.

Submissions (2):

PreventionGenetics, part of Exact Sciences
Classification: Uncertain significance for PKD1-related condition. Last evaluated: 2026-03-30. Review status: criteria provided, single submitter. Criteria: ACMG Guidelines, 2015. Collection method: clinical testing. Allele origin: germline.
Comment: The PKD1 c.3851C>G variant is predicted to result in the amino acid substitution p.Ala1284Gly. To our knowledge, this variant has not been reported in the literature. This variant is reported in 0.026% of alleles in individuals of South Asian descent in gnomAD. At this time, the clinical significance of this variant is uncertain due to the absence of conclusive functional and genetic evidence.

Ambry Genetics
Classification: Uncertain significance for Inborn genetic diseases. Last evaluated: 2021-08-12. Review status: criteria provided, single submitter. Criteria: Ambry Variant Classification Scheme 2023. Collection method: clinical testing. Allele origin: germline.

NM_001009944.3(PKD1):c.3851C>G (p.Ala1284Gly)

Gene: PKD1 (polycystin 1, transient receptor potential channel interacting; minus strand). Cytogenetic location: 16p13.3.
Variant type: single nucleotide variant.
Coding change: c.3851C>G on transcript NM_001009944.3 (MANE Select); coding-DNA position 3851, C replaced by G.
Protein change: p.Ala1284Gly; replaces alanine 1284 with glycine.
Molecular consequence: missense variant.
Genome position (GRCh38, 1-based): chr16:2,111,316, G>C on the plus strand (C>G on the coding strand, the complement: PKD1 is on the minus strand). VCF-style: chr16-2111316-G-C. GRCh37 (hg19) VCF-style: chr16-2161317-G-C.
Other names: c.3851C>G, p.Ala1284Gly (NM_000296.4); short protein forms A1284G.
Identifiers: ClinVar variation 2243420 (VCV002243420.3), dbSNP rs780429493, ClinGen allele CA7832613.